The following is an entry in ClinVar:

ClinVar aggregate classification (germline): Uncertain significance. Review status: criteria provided, multiple submitters, no conflicts (2 of 4 stars). 3 submissions from 3 submitters: Uncertain significance (3). Last evaluated 2025-12-08.

Conditions:
KMT2D-related disorder. Also called: KMT2D-Related Disorders.
Kabuki syndrome. Also called: Kabuki make-up syndrome; NIIKAWA-KUROKI SYNDROME. Identifiers: Orphanet 2322, MedGen C0796004, MONDO:0016512.

Submissions (3):

Labcorp Genetics (formerly Invitae), Labcorp
Classification: Uncertain significance for Kabuki syndrome. Last evaluated: 2025-12-08. Review status: criteria provided, single submitter. Criteria: Invitae Variant Classification Sherloc (09022015). Collection method: clinical testing. Allele origin: germline.
Comment: This variant, c.11835_11837del, results in the deletion of 1 amino acid(s) of the KMT2D protein (p.Gln3947del), but otherwise preserves the integrity of the reading frame. The frequency data for this variant in the population databases is considered unreliable, as metrics indicate poor data quality at this position in the gnomAD database. This variant has not been reported in the literature in individuals affected with KMT2D-related conditions. Experimental studies and prediction algorithms are not available or were not evaluated, and the functional significance of this variant is currently unknown. In summary, the available evidence is currently insufficient to determine the role of this variant in disease. Therefore, it has been classified as a Variant of Uncertain Significance.

PreventionGenetics, part of Exact Sciences
Classification: Uncertain significance for KMT2D-related condition. Last evaluated: 2025-11-06. Review status: criteria provided, single submitter. Criteria: ACMG Guidelines, 2015. Collection method: clinical testing. Allele origin: germline.
Comment: The KMT2D c.11835_11837delGCA variant is predicted to result in an in-frame deletion (p.Gln3947del). To our knowledge, this variant has not been reported in the literature. This variant is reported in 0.0044% of alleles in individuals of South Asian descent in gnomAD. At this time, the clinical significance of this variant is uncertain due to the absence of conclusive functional and genetic evidence.

CeGaT Center for Human Genetics Tuebingen
Classification: Uncertain significance. Last evaluated: 2017-03-01. Review status: criteria provided, single submitter. Criteria: CeGaT Center For Human Genetics Tuebingen Variant Classification Criteria Version 2. Collection method: clinical testing. Allele origin: germline. Affected: yes. Observed: 1 variant allele.

NM_003482.4(KMT2D):c.11829GCA[2] (p.Gln3947del)

Gene: KMT2D (lysine methyltransferase 2D; minus strand). Cytogenetic location: 12q13.12.
Variant type: Microsatellite.
Coding change: c.11829GCA[2] on transcript NM_003482.4 (MANE Select); two copies in a row of the 3-base unit GCA starting at c.11829; the reference has three copies in a row; one copy, 3 bases deleted.
Protein change: p.Gln3947del; deletes glutamine 3947.
Molecular consequence: inframe deletion.
Genome position (GRCh38, 1-based): chr12:49,032,868-49,032,870, TGC deleted on the plus strand (GCA on the coding strand, the reverse complement: KMT2D is on the minus strand); deleting any 3 consecutive bases within chr12:49,032,868-49,032,878 gives the same sequence; the position shown is the placement nearest the transcript's 3' end. VCF-style (leftmost placement, unchanged base first): chr12-49032867-TTGC-T. GRCh37 (hg19) VCF-style: chr12-49426650-TTGC-T.
Other names: c.11835_11837delGCA (NM_003482.3); short protein forms Q3947del.
Identifiers: ClinVar variation 444288 (VCV000444288.45), dbSNP rs1027832047, ClinGen allele CA236639886.